The following is an entry in ClinVar:

ClinVar aggregate classification (germline): Benign. Review status: criteria provided, multiple submitters, no conflicts (2 of 4 stars). 4 submissions from 4 submitters: Benign (4). Last evaluated 2026-02-02.

Allele frequency attached by ClinVar (database versions not stated): gnomAD exomes 0.00441 and 0.01184; ExAC 0.01485; gnomAD 0.04537 and 0.04877; 1000 Genomes Project 0.04772; 1000 Genomes Project 30x 0.04888; TOPMed 0.05083; ESP Exome Variant Server 0.05298.
gnomAD v4.1: 13,724 of 1,614,176 alleles (0.85%); highest among the groups gnomAD compares: African/African-American, 16%; 1,027 homozygotes.

Submissions (4):

Labcorp Genetics (formerly Invitae), Labcorp
Classification: Benign. Last evaluated: 2026-02-02. Review status: criteria provided, single submitter. Criteria: Invitae Variant Classification Sherloc (09022015). Collection method: clinical testing. Allele origin: germline.

Mayo Clinic Laboratories, Mayo Clinic
Classification: Benign. Last evaluated: 2018-09-17. Review status: criteria provided, single submitter. Criteria: ACMG Guidelines, 2015. Collection method: clinical testing. Allele origin: germline. Observed: 35 variant alleles.

GeneDx
Classification: Benign. Last evaluated: 2013-12-09. Review status: criteria provided, single submitter. Criteria: GeneDx Variant Classification (06012015). Collection method: clinical testing. Allele origin: germline. Affected: yes.
Comment: This variant is considered likely benign or benign based on one or more of the following criteria: it is a conservative change, it occurs at a poorly conserved position in the protein, it is predicted to be benign by multiple in silico algorithms, and/or has population frequency not consistent with disease.

Breakthrough Genomics
Classification: Benign. Review status: criteria provided, single submitter. Criteria: ACMG Guidelines, 2015. Collection method: not provided. Allele origin: germline. Inheritance: Autosomal recessive inheritance. Affected: yes.

NM_022915.5(MRPL44):c.413C>T (p.Thr138Ile)

Gene: MRPL44 (mitochondrial ribosomal protein L44; plus strand). Cytogenetic location: 2q36.1.
Variant type: single nucleotide variant.
Coding change: c.413C>T on transcript NM_022915.5 (MANE Select); coding-DNA position 413, C replaced by T.
Protein change: p.Thr138Ile; replaces threonine 138 with isoleucine.
Molecular consequence: missense variant.
Genome position (GRCh38, 1-based): chr2:223,959,767, C>T. VCF-style: chr2-223959767-C-T. GRCh37 (hg19) VCF-style: chr2-224824484-C-T.
Other names: p.T138I:ACA>ATA; short protein forms T138I.
Identifiers: ClinVar variation 138243 (VCV000138243.13), dbSNP rs11546406, ClinGen allele CA292128.